The following is an entry in ClinVar:

NM_001407.3(CELSR3):c.8086-5T>G

Gene: CELSR3 (cadherin EGF LAG seven-pass G-type receptor 3; minus strand). Cytogenetic location: 3p21.31.
Variant type: single nucleotide variant.
Coding change: c.8086-5T>G on transcript NM_001407.3 (MANE Select); 5 bases into the intron before coding-DNA position 8086, T replaced by G.
Molecular consequence: intron variant.
Genome position (GRCh38, 1-based): chr3:48,644,300, A>C on the plus strand (T>G on the coding strand, the complement: CELSR3 is on the minus strand). VCF-style: chr3-48644300-A-C. GRCh37 (hg19) VCF-style: chr3-48681733-A-C.
Identifiers: ClinVar variation 3032137 (VCV003032137.2), dbSNP rs1413749576, ClinGen allele CA542790115.

ClinVar aggregate classification (germline): Likely benign (0 of 4 stars; one submission).

Conditions:
CELSR3-related disorder. Also called: CELSR3-related condition.

Allele frequency attached by ClinVar (database versions not stated): gnomAD exomes below 0.00001.
gnomAD v4.1: 1 of 1,612,680 alleles (0.000062%); highest among the groups gnomAD compares: Non-Finnish European, 0.000085%; no homozygotes.

Submission:

PreventionGenetics, part of Exact Sciences
Classification: Likely benign for CELSR3-related condition. Last evaluated: 2021-02-08. Review status: no assertion criteria provided. Collection method: clinical testing. Allele origin: germline.
Comment: This variant is classified as likely benign based on ACMG/AMP sequence variant interpretation guidelines (Richards et al. 2015 PMID: 25741868, with internal and published modifications).